The following is an entry in ClinVar:

ClinVar aggregate classification (germline): Likely pathogenic (1 of 4 stars; one submission).

Submission:

Labcorp Genetics (formerly Invitae), Labcorp
Classification: Likely pathogenic. Last evaluated: 2024-02-19. Review status: criteria provided, single submitter. Criteria: Invitae Variant Classification Sherloc (09022015). Collection method: clinical testing. Allele origin: germline.
Comment: This sequence change affects an acceptor splice site in intron 13 of the TRIM37 gene. It is expected to disrupt RNA splicing. Variants that disrupt the donor or acceptor splice site typically lead to a loss of protein function (PMID: 16199547), and loss-of-function variants in TRIM37 are known to be pathogenic (PMID: 10888877, 15108285). This variant is not present in population databases (gnomAD no frequency). This variant has not been reported in the literature in individuals affected with TRIM37-related conditions. Algorithms developed to predict the effect of sequence changes on RNA splicing suggest that this variant may disrupt the consensus splice site. In summary, the currently available evidence indicates that the variant is pathogenic, but additional data are needed to prove that conclusively. Therefore, this variant has been classified as Likely Pathogenic.

Literature cited by the submitters: PubMed 16199547; PubMed 10888877; PubMed 15108285.

NM_015294.6(TRIM37):c.1200-1G>A

Gene: TRIM37 (tripartite motif containing 37; minus strand). Cytogenetic location: 17q22.
Variant type: single nucleotide variant.
Coding change: c.1200-1G>A on transcript NM_015294.6 (MANE Select); the canonical splice acceptor site of the intron before coding-DNA position 1200, G replaced by A.
Molecular consequence: splice acceptor variant.
Genome position (GRCh38, 1-based): chr17:59,051,329, C>T on the plus strand (G>A on the coding strand, the complement: TRIM37 is on the minus strand). VCF-style: chr17-59051329-C-T. GRCh37 (hg19) VCF-style: chr17-57128690-C-T.
Other names: c.1200-1G>A (NM_001320989.3, NM_001005207.5, NM_001320988.3 and 1 more transcripts); c.738-1G>A (NM_001353085.2); c.1098-1G>A (NM_001320987.3, NM_001353082.2); c.1149-1G>A (NM_001353086.2); c.465-1G>A (NM_001353083.2); c.834-1G>A (NM_001320990.3).
Identifiers: ClinVar variation 3640585 (VCV003640585.2).